The following is an entry in ClinVar:

NM_000536.4(RAG2):c.385_389del (p.Leu129fs)

Gene: RAG2 (recombination activating 2; minus strand). Cytogenetic location: 11p12.
Variant type: Deletion.
Coding change: c.385_389del on transcript NM_000536.4 (MANE Select); coding-DNA positions 385 to 389, 5 bases deleted (TTGGT; older notation c.385_389delTTGGT).
Protein change: p.Leu129fs; shifts the reading frame from leucine 129.
Molecular consequence: frameshift variant.
Genome position (GRCh38, 1-based): chr11:36,593,780-36,593,784, ACCAA deleted on the plus strand (TTGGT on the coding strand, the reverse complement: RAG2 is on the minus strand). VCF-style (leftmost placement, unchanged base first): chr11-36593779-TACCAA-T. GRCh37 (hg19) VCF-style: chr11-36615329-TACCAA-T.
Other names: c.385_389del, p.Leu129fs (NM_001243785.2, NM_001243786.2); c.385_389delTTGGT (NM_000536.3); short protein forms L129fs.
Identifiers: ClinVar variation 952544 (VCV000952544.10), dbSNP rs1164927451, ClinGen allele CA598865142.
Genomic context (GRCh38, chr11:36,593,779, plus strand): 5'-TTTCCCTCGGCTGTACACCACATTAATGGAATGACCATATCTGGCTTCAGGAACATCTCC[TACCAA>T]GTCTTTCTCTGTGCAGCGAAAAGTAACCTTTTTGTTGTTCTTGCAAACAATAGACATGAC-3'

ClinVar aggregate classification (germline): Pathogenic/Likely pathogenic. Review status: criteria provided, multiple submitters, no conflicts (2 of 4 stars). 4 submissions from 4 submitters: Pathogenic (2); Likely pathogenic (2). Last evaluated 2025-06-30.

Conditions:
Recombinase activating gene 2 deficiency. Also called: RAG2 deficiency. Identifiers: MedGen CN257931, MONDO:0000573.
Severe combined immunodeficiency, autosomal recessive, T cell-negative, B cell-negative, NK cell-positive. Also called: SCID, T CELL-NEGATIVE, B CELL-NEGATIVE, NK CELL-POSITIVE; SCID, AR, T-cell negative, B-cell negative, NK cell-positive; Severe combined immunodeficiency due to complete RAG1/2 deficiency. Identifiers: Orphanet 331206, MedGen C1832322, MONDO:0011086, OMIM 601457.
Combined immunodeficiency with skin granulomas. Identifiers: Orphanet 157949, MedGen C2673536, MONDO:0009306, OMIM 233650.
Histiocytic medullary reticulosis. Also called: Omenn syndrome; SEVERE COMBINED IMMUNODEFICIENCY WITH HYPEREOSINOPHILIA. Identifiers: Orphanet 39041, MedGen C2700553, MONDO:0011338, OMIM 603554.

Allele frequency attached by ClinVar (database versions not stated): gnomAD exomes below 0.00001 and 0.00001.

Submissions (4):

Myriad Genetics, Inc.
Classification: Pathogenic for Recombinase activating gene 2 deficiency. Last evaluated: 2025-06-30. Review status: criteria provided, single submitter. Criteria: Myriad Autosomal Dominant, Autosomal Recessive and X-Linked Classification Criteria (2023). Collection method: clinical testing. Allele origin: unknown.
Comment: NM_001243785.1(RAG2):c.385_389del5(L129Rfs*5) is a frameshift variant classified as pathogenic in the context of severe combined immunodeficiency, RAG2-related. L129Rfs*5 has not been observed in cases with relevant disease. Relevant functional assessments of this variant are not available in the literature. L129Rfs*5 has not been observed in referenced population frequency databases. In summary, NM_001243785.1(RAG2):c.385_389del5(L129Rfs*5) is a frameshift variant in a gene where loss of function is a known mechanism of disease and is predicted to disrupt protein function. Please note: this variant was assessed in the context of healthy population screening.

Natera, Inc.
Classification: Likely pathogenic for Omenn syndrome. Last evaluated: 2025-05-27. Review status: criteria provided, single submitter. Criteria: Natera Variant Classification Schema (03/2026). Collection method: clinical testing. Allele origin: germline.
Comment: The c.385_389delTTGGT variant in RAG2 is a frameshift variant predicted to shift the reading frame beginning at codon 129 and leads to a stop codon 5 codons downstream. This variant is expected to result in nonsense mediated decay, truncation, or a dysfunctional protein product. This variant is rare in the general population with a frequency below the threshold expected for the associated phenotype(s). Given the available evidence, this variant is classified as Likely Pathogenic.

Baylor Genetics
Classification: Likely pathogenic for Combined immunodeficiency with skin granulomas. Last evaluated: 2023-11-24. Review status: criteria provided, single submitter. Criteria: ACMG Guidelines, 2015. Collection method: clinical testing. Allele origin: unknown.

Labcorp Genetics (formerly Invitae), Labcorp
Classification: Pathogenic for Combined immunodeficiency with skin granulomas; Severe combined immunodeficiency, autosomal recessive, T cell-negative, B cell-negative, NK cell-positive. Last evaluated: 2022-11-23. Review status: criteria provided, single submitter. Criteria: Invitae Variant Classification Sherloc (09022015). Collection method: clinical testing. Allele origin: germline.
Comment: For these reasons, this variant has been classified as Pathogenic. This variant disrupts a region of the RAG2 protein in which other variant(s) (p.Glu480*) have been determined to be pathogenic (PMID: 21624848, 29772310). This suggests that this is a clinically significant region of the protein, and that variants that disrupt it are likely to be disease-causing. ClinVar contains an entry for this variant (Variation ID: 952544). This variant has not been reported in the literature in individuals affected with RAG2-related conditions. This variant is present in population databases (no rsID available, gnomAD 0.007%). This sequence change creates a premature translational stop signal (p.Leu129Argfs*5) in the RAG2 gene. While this is not anticipated to result in nonsense mediated decay, it is expected to disrupt the last 399 amino acid(s) of the RAG2 protein.

Literature cited by the submitters: PubMed 21624848 (cited by Labcorp Genetics (formerly Invitae), Labcorp); PubMed 29772310 (cited by Labcorp Genetics (formerly Invitae), Labcorp).